The following is an entry in ClinVar:

NM_031157.4(HNRNPA1):c.879AGGCGG[1] (p.Gly296_Gly297del)

Gene: HNRNPA1 (heterogeneous nuclear ribonucleoprotein A1; plus strand). Cytogenetic location: 12q13.13.
Variant type: Microsatellite.
Coding change: c.879AGGCGG[1] on transcript NM_031157.4 (MANE Select); one copy of the 6-base unit AGGCGG starting at c.879; the reference has two copies in a row; one copy, 6 bases deleted; also written c.885_890del.
Protein change: p.Gly296_Gly297del.
Molecular consequence: inframe deletion. On other transcripts: intron variant (1).
Genome position (GRCh38, 1-based): chr12:54,283,212-54,283,217, AGGCGG deleted; deleting any 6 consecutive bases within chr12:54,283,203-54,283,217 gives the same sequence; the position shown is the placement nearest the transcript's 3' end. VCF-style (leftmost placement, unchanged base first): chr12-54283202-ACGGAGG-A. GRCh37 (hg19) VCF-style: chr12-54676986-ACGGAGG-A.
Other names: p.Gly296_Gly297del; c.885_890del (NM_031157.4, NM_031157.2); c.751+338_751+343del (NM_002136.4).
Identifiers: ClinVar variation 707794 (VCV000707794.30), dbSNP rs539863165, ClinGen allele CA6606347.
Genomic context (GRCh38, chr12:54,283,202, plus strand): 5'-AGGGTTATGGAAACCAGGGCAGTGGCTATGGCGGGAGTGGCAGCTATGACAGCTATAACA[ACGGAGG>A]CGGAGGCGGCTTTGGCGGTGGTAGTGGTAGGTATCCAGTGATCCAAGTACTTGGTGTGAC-3'

ClinVar aggregate classification (germline): Benign/Likely benign. Review status: criteria provided, multiple submitters, no conflicts (2 of 4 stars). 4 submissions from 4 submitters: Benign (2); Likely benign (1). 1 of the submissions does not count toward it. Last evaluated 2026-09-01.

Conditions:
HNRNPA1-related disorder. Also called: HNRNPA1-related condition.

Submissions (4):

CeGaT Center for Human Genetics Tuebingen
Classification: Likely benign. Last evaluated: 2026-09-01. Review status: criteria provided, single submitter. Criteria: CeGaT Center For Human Genetics Tuebingen Variant Classification Criteria Version 2. Collection method: clinical testing. Allele origin: germline. Affected: yes. Observed: 3 variant alleles.
Comment: HNRNPA1: PM4, BS1

Mayo Clinic Laboratories, Mayo Clinic
Classification: Benign. Last evaluated: 2021-06-24. Review status: criteria provided, single submitter. Criteria: ACMG Guidelines, 2015. Collection method: clinical testing. Allele origin: germline. Observed: 5 variant alleles.

Labcorp Genetics (formerly Invitae), Labcorp
Classification: Benign. Last evaluated: 2019-12-31. Review status: criteria provided, single submitter. Criteria: Invitae Variant Classification Sherloc (09022015). Collection method: clinical testing. Allele origin: germline.

PreventionGenetics, part of Exact Sciences
Classification: Benign for HNRNPA1-related condition. Last evaluated: 2020-02-10. Review status: no assertion criteria provided. Collection method: clinical testing. Allele origin: germline. Not counted in ClinVar's aggregate classification.
Comment: This variant is classified as benign based on ACMG/AMP sequence variant interpretation guidelines (Richards et al. 2015 PMID: 25741868, with internal and published modifications).